The following is an entry in ClinVar:

NM_000179.3(MSH6):c.3802-8T>C

Gene: MSH6 (mutS homolog 6; plus strand). Cytogenetic location: 2p16.3.
Variant type: single nucleotide variant.
Coding change: c.3802-8T>C on transcript NM_000179.3 (MANE Select); 8 bases into the intron before coding-DNA position 3802, T replaced by C.
Molecular consequence: intron variant.
Genome position (GRCh38, 1-based): chr2:47,806,444, T>C. VCF-style: chr2-47806444-T-C. GRCh37 (hg19) VCF-style: chr2-48033583-T-C.
Other names: c.3802-8T>C (NM_001406809.1, NM_001406796.1, NM_001406808.1); c.2896-8T>C (NM_001406811.1, NM_001406814.1, NM_001281493.2 and 6 more transcripts); c.3505-8T>C (NM_001406805.1, NM_001406797.1, NM_001406801.1 and 10 more transcripts); c.3898-8T>C (NM_001406795.1); c.3897+86T>C (NM_001406802.1); c.3808-8T>C (NM_001406813.1); c.3277-8T>C (NM_001406807.1, NM_001406799.1, NM_001406806.1); c.3802-21T>C (NM_001406800.1); and 9 more.
Identifiers: ClinVar variation 3903519 (VCV003903519.1).

ClinVar aggregate classification (germline): Likely benign (1 of 4 stars; one submission).

Conditions:
Lynch syndrome 5 (LYNCH5). Also called: Colorectal cancer, hereditary nonpolyposis, type 5; Hereditary non-polyposis colorectal cancer, type 5. Identifiers: Orphanet 144, MedGen C1833477, MONDO:0013710, OMIM 614350. Disease mechanism: loss of function.

gnomAD v4.1: 1 of 1,614,070 alleles (0.000062%); highest among the groups gnomAD compares: Non-Finnish European, 0.000085%; no homozygotes.

Submission:

Myriad Genetics, Inc.
Classification: Likely benign for Lynch syndrome 5. Last evaluated: 2025-01-08. Review status: criteria provided, single submitter. Criteria: Myriad Autosomal Dominant, Autosomal Recessive and X-Linked Classification Criteria (2023). Collection method: clinical testing. Allele origin: unknown.
Comment: This variant is considered likely benign. This variant is intronic and is not expected to impact mRNA splicing.